The following is an entry in ClinVar:

NM_000283.4(PDE6B):c.610G>A (p.Glu204Lys)

Gene: PDE6B (phosphodiesterase 6B; plus strand). Cytogenetic location: 4p16.3.
Variant type: single nucleotide variant.
Coding change: c.610G>A on transcript NM_000283.4 (MANE Select); coding-DNA position 610, G replaced by A.
Protein change: p.Glu204Lys; replaces glutamic acid 204 with lysine.
Molecular consequence: missense variant.
Genome position (GRCh38, 1-based): chr4:634,818, G>A. VCF-style: chr4-634818-G-A. GRCh37 (hg19) VCF-style: chr4-628607-G-A.
Other names: c.610G>A, p.Glu204Lys (NM_001145291.2); short protein forms E204K.
Identifiers: ClinVar variation 847310 (VCV000847310.12), dbSNP rs765804881, ClinGen allele CA2794012.

ClinVar aggregate classification (germline): Uncertain significance. Review status: criteria provided, multiple submitters, no conflicts (2 of 4 stars). 4 submissions from 4 submitters: Uncertain significance (4). Last evaluated 2025-03-31.

Conditions:
Inborn genetic diseases. Identifiers: MedGen C0950123, MeSH D030342.

gnomAD v4.1: 16 of 1,613,710 alleles (0.00099%); highest among the groups gnomAD compares: Admixed American, 0.0017%; no homozygotes.

Submissions (4):

Labcorp Genetics (formerly Invitae), Labcorp
Classification: Uncertain significance. Last evaluated: 2025-03-31. Review status: criteria provided, single submitter. Criteria: Invitae Variant Classification Sherloc (09022015). Collection method: clinical testing. Allele origin: germline.
Comment: This sequence change replaces glutamic acid, which is acidic and polar, with lysine, which is basic and polar, at codon 204 of the PDE6B protein (p.Glu204Lys). This variant is not present in population databases (gnomAD no frequency). This variant has not been reported in the literature in individuals affected with PDE6B-related conditions. ClinVar contains an entry for this variant (Variation ID: 847310). Invitae Evidence Modeling of protein sequence and biophysical properties (such as structural, functional, and spatial information, amino acid conservation, physicochemical variation, residue mobility, and thermodynamic stability) indicates that this missense variant is not expected to disrupt PDE6B protein function with a negative predictive value of 95%. In summary, the available evidence is currently insufficient to determine the role of this variant in disease. Therefore, it has been classified as a Variant of Uncertain Significance.

GeneDx
Classification: Uncertain significance. Last evaluated: 2025-01-14. Review status: criteria provided, single submitter. Criteria: GeneDx Variant Classification Process June 2021. Collection method: clinical testing. Allele origin: germline. Affected: yes.
Comment: Not observed at significant frequency in large population cohorts (gnomAD); In silico analysis indicates that this missense variant does not alter protein structure/function; Has not been previously published as pathogenic or benign to our knowledge

Ambry Genetics
Classification: Uncertain significance for Inborn genetic diseases. Last evaluated: 2024-02-17. Review status: criteria provided, single submitter. Criteria: Ambry Variant Classification Scheme 2023. Collection method: clinical testing. Allele origin: germline.

Blueprint Genetics
Classification: Uncertain significance. Last evaluated: 2022-03-01. Review status: criteria provided, single submitter. Criteria: ACMG Guidelines, 2015. Collection method: clinical testing. Allele origin: germline.